The following is an entry in ClinVar:

ClinVar aggregate classification (germline): Uncertain significance (1 of 4 stars; one submission).

Conditions:
Myofibrillar myopathy 6. Identifiers: Orphanet 199340, MedGen C2751831, MONDO:0013061, OMIM 612954.
Dilated cardiomyopathy 1HH (CMD1HH). Identifiers: Orphanet 154, MedGen C3151293, MONDO:0013479, OMIM 613881.

Submission:

Labcorp Genetics (formerly Invitae), Labcorp
Classification: Uncertain significance for Dilated cardiomyopathy 1HH; Myofibrillar myopathy 6. Last evaluated: 2025-05-08. Review status: criteria provided, single submitter. Criteria: Invitae Variant Classification Sherloc (09022015). Collection method: clinical testing. Allele origin: germline.
Comment: This sequence change replaces leucine, which is neutral and non-polar, with proline, which is neutral and non-polar, at codon 196 of the BAG3 protein (p.Leu196Pro). This variant is not present in population databases (gnomAD no frequency). This variant has not been reported in the literature in individuals affected with BAG3-related conditions. Invitae Evidence Modeling of protein sequence and biophysical properties (such as structural, functional, and spatial information, amino acid conservation, physicochemical variation, residue mobility, and thermodynamic stability) indicates that this missense variant is not expected to disrupt BAG3 protein function with a negative predictive value of 80%. In summary, the available evidence is currently insufficient to determine the role of this variant in disease. Therefore, it has been classified as a Variant of Uncertain Significance.

NM_004281.4(BAG3):c.587T>C (p.Leu196Pro)

Gene: BAG3 (BAG cochaperone 3; plus strand). Cytogenetic location: 10q26.11.
Variant type: single nucleotide variant.
Coding change: c.587T>C on transcript NM_004281.4 (MANE Select); coding-DNA position 587, T replaced by C.
Protein change: p.Leu196Pro; replaces leucine 196 with proline.
Molecular consequence: missense variant.
Genome position (GRCh38, 1-based): chr10:119,672,334, T>C. VCF-style: chr10-119672334-T-C. GRCh37 (hg19) VCF-style: chr10-121431846-T-C.
Other names: short protein forms L196P.
Identifiers: ClinVar variation 4787789 (VCV004787789.1).